The following is an entry in ClinVar:

ClinVar aggregate classification (germline): Conflicting classifications of pathogenicity. Review status: criteria provided, conflicting classifications (1 of 4 stars). 7 submissions from 7 submitters: Uncertain significance (5); Likely benign (1). 1 of the submissions does not count toward it. Last evaluated 2025-09-03.

Conditions:
Hereditary cancer-predisposing syndrome. Also called: Hereditary neoplastic syndrome; Neoplastic Syndromes, Hereditary; Tumor predisposition; Hereditary Cancer Syndrome. Identifiers: Orphanet 140162, MedGen C0027672, MeSH D009386, MONDO:0015356.
Ataxia-telangiectasia syndrome (AT). Also called: Ataxia telangiectasia (A-T); LOUIS-BAR SYNDROME; Cerebello-oculocutaneous telangiectasia; Immunodeficiency with ataxia telangiectasia; Ataxia-telangiectasia, complementation group D; AT, COMPLEMENTATION GROUP C. Identifiers: Orphanet 100, MedGen C0004135, MONDO:0008840, OMIM 208900.
Familial cancer of breast. Also called: Hereditary breast cancer; hereditary breast carcinoma; BREAST CANCER, FAMILIAL. Identifiers: Orphanet 227535, MedGen C0346153, MONDO:0016419, OMIM 114480. Disease mechanism: loss of function.

Allele frequency attached by ClinVar (database versions not stated): gnomAD exomes below 0.00001; gnomAD 0.00001; TOPMed 0.00001.
gnomAD v4.1: 5 of 1,613,658 alleles (0.00031%); highest among the groups gnomAD compares: Non-Finnish European, 0.00034%; no homozygotes.

Submissions (7):

Labcorp Genetics (formerly Invitae), Labcorp
Classification: Uncertain significance for Ataxia-telangiectasia syndrome. Last evaluated: 2025-09-03. Review status: criteria provided, single submitter. Criteria: Invitae Variant Classification Sherloc (09022015). Collection method: clinical testing. Allele origin: germline.
Comment: This sequence change replaces lysine, which is basic and polar, with glutamic acid, which is acidic and polar, at codon 41 of the ATM protein (p.Lys41Glu). This variant is not present in population databases (gnomAD no frequency). This variant has not been reported in the literature in individuals affected with ATM-related conditions. ClinVar contains an entry for this variant (Variation ID: 407674). Invitae Evidence Modeling of protein sequence and biophysical properties (such as structural, functional, and spatial information, amino acid conservation, physicochemical variation, residue mobility, and thermodynamic stability) indicates that this missense variant is not expected to disrupt ATM protein function with a negative predictive value of 95%. In summary, the available evidence is currently insufficient to determine the role of this variant in disease. Therefore, it has been classified as a Variant of Uncertain Significance.

Ambry Genetics
Classification: Likely benign for Hereditary cancer-predisposing syndrome. Last evaluated: 2024-05-09. Review status: criteria provided, single submitter. Criteria: Ambry Variant Classification Scheme 2023. Collection method: clinical testing. Allele origin: germline.

Fulgent Genetics
Classification: Uncertain significance for Familial cancer of breast; Ataxia-telangiectasia syndrome. Last evaluated: 2024-03-07. Review status: criteria provided, single submitter. Criteria: ACMG Guidelines, 2015. Collection method: clinical testing. Allele origin: germline.

Color Diagnostics, LLC DBA Color Health
Classification: Uncertain significance for Hereditary cancer-predisposing syndrome. Last evaluated: 2022-07-11. Review status: criteria provided, single submitter. Criteria: ACMG Guidelines, 2015. Collection method: clinical testing. Allele origin: germline.
Comment: This missense variant replaces lysine with glutamic acid at codon 41 of the ATM protein. Computational prediction suggests that this variant may not impact protein structure and function (internally defined REVEL score threshold <= 0.5, PMID: 27666373). To our knowledge, functional studies have not been reported for this variant. In a large international case-control study, this variant was reported in 1/60466 breast cancer cases and 1/53461 controls (PMID: 33471991). This variant has not been identified in the general population by the Genome Aggregation Database (gnomAD). The available evidence is insufficient to determine the role of this variant in disease conclusively. Therefore, this variant is classified as a Variant of Uncertain Significance.

Sema4
Classification: Uncertain significance for Hereditary cancer-predisposing syndrome. Last evaluated: 2022-01-13. Review status: criteria provided, single submitter. Criteria: Sema4 Curation Guidelines. Collection method: curation. Allele origin: germline.
Comment: The ATM c.121A>G (p.K41E) variant has been reported in heterozygosity in at least one individual with breast cancer (PMID: 33471991). It was not observed in the large and broad cohorts of the Genome Aggregation Database (PMID: 32461654). The variant has been reported in ClinVar (Variation ID: 407674). In silico tools suggest the impact of the variant on protein function is benign, though these predictions have not been confirmed by functional studies. The evidence is insufficient to meet ACMG/AMP criteria for classifying the variant as benign or pathogenic. Thus, the clinical significance of this variant is currently uncertain.

Department of Pathology and Laboratory Medicine, Sinai Health System
Classification: Uncertain significance for Familial cancer of breast. Last evaluated: 2019-12-23. Review status: criteria provided, single submitter. Criteria: ACMG Guidelines, 2015. Collection method: clinical testing. Allele origin: germline. Affected: yes.

Natera, Inc.
Classification: Uncertain significance for Ataxia-telangiectasia. Last evaluated: 2020-03-17. Review status: no assertion criteria provided. Collection method: clinical testing. Allele origin: germline. Not counted in ClinVar's aggregate classification.

Literature cited by the submitters: PubMed 33471991 (cited by Color Diagnostics, LLC DBA Color Health and Sema4).

NM_000051.4(ATM):c.121A>G (p.Lys41Glu)

Gene: ATM (ATM serine/threonine kinase; plus strand). Cytogenetic location: 11q22.3.
Variant type: single nucleotide variant.
Coding change: c.121A>G on transcript NM_000051.4 (MANE Select); coding-DNA position 121, A replaced by G.
Protein change: p.Lys41Glu; replaces lysine 41 with glutamic acid.
Molecular consequence: missense variant.
Genome position (GRCh38, 1-based): chr11:108,227,824, A>G. VCF-style: chr11-108227824-A-G. GRCh37 (hg19) VCF-style: chr11-108098551-A-G.
Other names: c.121A>G, p.Lys41Glu (NM_001351834.2, NM_001351835.2, NM_001351836.2); short protein forms K41E.
Identifiers: ClinVar variation 407674 (VCV000407674.22), dbSNP rs1060501672, ClinGen allele CA16613044.